The following is an entry in ClinVar:

NM_152743.4(BRAT1):c.1990_2072del (p.Gln664fs)

Gene: BRAT1 (BRCA1 associated ATM activator 1; minus strand). Cytogenetic location: 7p22.3.
Variant type: Deletion.
Coding change: c.1990_2072del on transcript NM_152743.4 (MANE Select); coding-DNA positions 1990 to 2072, 83 bases deleted.
Protein change: p.Gln664fs; shifts the reading frame from glutamine 664.
Molecular consequence: frameshift variant. On other transcripts: non-coding transcript variant (1).
Genome position (GRCh38, 1-based): chr7:2,538,463-2,538,545, 83 bases deleted. GRCh37 (hg19): chr7:2,578,100-2,578,182.
Other names: c.2170_2252del, p.Gln724fs (NM_001350626.2); c.1465_1547del, p.Gln489fs (NM_001350627.2); c.1990_2072del83 (NM_152743.4); short protein forms Q489fs, Q664fs, Q724fs.
Identifiers: ClinVar variation 3768187 (VCV003768187.1).

ClinVar aggregate classification (germline): Pathogenic (1 of 4 stars; one submission).

Conditions:
Neurodevelopmental disorder with cerebellar atrophy and with or without seizures. Identifiers: MedGen C4748032, MONDO:0020841, OMIM 618056.

Submission:

Women's Health and Genetics/Laboratory Corporation of America, LabCorp
Classification: Pathogenic for Neurodevelopmental disorder with cerebellar atrophy and with or without seizures. Last evaluated: 2024-12-09. Review status: criteria provided, single submitter. Criteria: LabCorp Variant Classification Summary - May 2015. Collection method: clinical testing. Allele origin: germline.
Comment: Variant summary: BRAT1 c.1990_2072del83 (p.Gln664ThrfsX11) results in a premature termination codon, predicted to cause a truncation of the encoded protein, however, nonsense mediated decay is not expected to occur. The variant was absent in 249308 control chromosomes. To our knowledge, no occurrence of c.1990_2072del83 in individuals affected with Neurodevelopmental Disorder With Cerebellar Atrophy And With Or Without Seizures and no experimental evidence demonstrating its impact on protein function have been reported. An alternate variant (c.2125_2128del, p.Phe709fs) downstream of the variant has been classified as Pathogenic by our lab. No submitters have cited clinical-significance assessments for this variant to ClinVar. Based on the evidence outlined above, the variant was classified as pathogenic.